The following is an entry in ClinVar:

ClinVar aggregate classification (germline): Conflicting classifications of pathogenicity. Review status: criteria provided, conflicting classifications (1 of 4 stars). 2 submissions from 2 submitters: Likely pathogenic (1); Uncertain significance (1). Last evaluated 2021-08-14.

Conditions:
Dilated cardiomyopathy 1DD (CMD1DD). Identifiers: Orphanet 154, MedGen C2750995, MONDO:0013168, OMIM 613172.

Submissions (2):

Labcorp Genetics (formerly Invitae), Labcorp
Classification: Likely pathogenic for Dilated cardiomyopathy 1DD. Last evaluated: 2021-08-14. Review status: criteria provided, single submitter. Criteria: Invitae Variant Classification Sherloc (09022015). Collection method: clinical testing. Allele origin: germline.
Comment: This sequence change replaces serine with asparagine at codon 637 of the RBM20 protein (p.Ser637Asn). The serine residue is highly conserved and there is a small physicochemical difference between serine and asparagine. This variant is not present in population databases (ExAC no frequency). This variant has not been reported in the literature in individuals affected with RBM20-related conditions. ClinVar contains an entry for this variant (Variation ID: 202062). Advanced modeling of protein sequence and biophysical properties (such as structural, functional, and spatial information, amino acid conservation, physicochemical variation, residue mobility, and thermodynamic stability) performed at Invitae indicates that this missense variant is expected to disrupt RBM20 protein function. This variant disrupts the Ser637 amino acid residue in RBM20. Other variant(s) that disrupt this residue have been determined to be pathogenic (PMID: 19712804, 32851336). This suggests that this residue is clinically significant, and that variants that disrupt this residue are likely to be disease-causing. In summary, the currently available evidence indicates that the variant is pathogenic, but additional data are needed to prove that conclusively. Therefore, this variant has been classified as Likely Pathogenic.

GeneDx
Classification: Uncertain significance. Last evaluated: 2020-06-04. Review status: criteria provided, single submitter. Criteria: GeneDx Variant Classification Process June 2021. Collection method: clinical testing. Allele origin: germline. Affected: yes.
Comment: Reported as a cardiomyopathy-associated variant in a database comprised of cardiomyopathy patients tested by outside clinical laboratories; patient-specific data were not included (Parikh et al., 2019); Not observed at a significant frequency in large population cohorts (Lek et al., 2016); In silico analysis supports that this missense variant does not alter protein structure/function; This variant is associated with the following publications: (PMID: 30871351, 32840935)

Literature cited by the submitters: PubMed 19712804 (cited by Labcorp Genetics (formerly Invitae), Labcorp); PubMed 32851336 (cited by Labcorp Genetics (formerly Invitae), Labcorp).

NM_001134363.3(RBM20):c.1910G>A (p.Ser637Asn)

Gene: RBM20 (RNA binding motif protein 20; plus strand). Cytogenetic location: 10q25.2.
Variant type: single nucleotide variant.
Coding change: c.1910G>A on transcript NM_001134363.3 (MANE Select); coding-DNA position 1910, G replaced by A.
Protein change: p.Ser637Asn; replaces serine 637 with asparagine.
Molecular consequence: missense variant.
Genome position (GRCh38, 1-based): chr10:110,812,307, G>A. VCF-style: chr10-110812307-G-A. GRCh37 (hg19) VCF-style: chr10-112572065-G-A.
Other names: p.S637N:AGT>AAT; c.1910G>A (LRG_382t1); short protein forms S637N.
Identifiers: ClinVar variation 202062 (VCV000202062.7), dbSNP rs794729149, ClinGen allele CA335547.